The following is an entry in ClinVar:

NM_198576.4(AGRN):c.1533C>G (p.Ser511Arg)

Gene: AGRN (agrin; plus strand). Cytogenetic location: 1p36.33.
Variant type: single nucleotide variant.
Coding change: c.1533C>G on transcript NM_198576.4 (MANE Select); coding-DNA position 1533, C replaced by G.
Protein change: p.Ser511Arg; replaces serine 511 with arginine.
Molecular consequence: missense variant.
Genome position (GRCh38, 1-based): chr1:1,043,387, C>G. VCF-style: chr1-1043387-C-G. GRCh37 (hg19) VCF-style: chr1-978767-C-G.
Other names: c.1533C>G, p.Ser511Arg (NM_001305275.2); c.1218C>G, p.Ser406Arg (NM_001364727.2); short protein forms S406R, S511R.
Identifiers: ClinVar variation 1005820 (VCV001005820.8), dbSNP rs778447033, ClinGen allele CA337831447.

ClinVar aggregate classification (germline): Uncertain significance (1 of 4 stars; one submission).

Conditions:
Congenital myasthenic syndrome 8. Also called: MYASTHENIC SYNDROME, CONGENITAL, DUE TO AGRIN DEFICIENCY; Myasthenic syndrome, congenital, 8, with pre- and postsynaptic defects. Identifiers: Orphanet 590, MedGen C3808739, MONDO:0014052, OMIM 615120.

Submission:

Labcorp Genetics (formerly Invitae), Labcorp
Classification: Uncertain significance for Congenital myasthenic syndrome 8. Last evaluated: 2020-09-16. Review status: criteria provided, single submitter. Criteria: Invitae Variant Classification Sherloc (09022015). Collection method: clinical testing. Allele origin: germline.
Comment: This variant has not been reported in the literature in individuals with AGRN-related conditions. This variant is not present in population databases (ExAC no frequency). This sequence change replaces serine with arginine at codon 511 of the AGRN protein (p.Ser511Arg). The serine residue is moderately conserved and there is a moderate physicochemical difference between serine and arginine. In summary, the available evidence is currently insufficient to determine the role of this variant in disease. Therefore, it has been classified as a Variant of Uncertain Significance. Algorithms developed to predict the effect of missense changes on protein structure and function are either unavailable or do not agree on the potential impact of this missense change (SIFT: "Deleterious"; PolyPhen-2: "Possibly Damaging"; Align-GVGD: "Class C0").